The following is an entry in ClinVar:

ClinVar aggregate classification (germline): Uncertain significance (1 of 4 stars; one submission).

Submission:

Labcorp Genetics (formerly Invitae), Labcorp
Classification: Uncertain significance. Last evaluated: 2025-03-04. Review status: criteria provided, single submitter. Criteria: Invitae Variant Classification Sherloc (09022015). Collection method: clinical testing. Allele origin: germline.
Comment: This sequence change replaces glycine, which is neutral and non-polar, with aspartic acid, which is acidic and polar, at codon 379 of the MBD4 protein (p.Gly379Asp). This variant is not present in population databases (gnomAD no frequency). This variant has not been reported in the literature in individuals affected with MBD4-related conditions. An algorithm developed to predict the effect of missense changes on protein structure and function outputs the following: PolyPhen-2: "Benign". The aspartic acid amino acid residue is found in multiple mammalian species, which suggests that this missense change does not adversely affect protein function. In summary, the available evidence is currently insufficient to determine the role of this variant in disease. Therefore, it has been classified as a Variant of Uncertain Significance.

NM_001276270.2(MBD4):c.1136G>A (p.Gly379Asp)

Gene: MBD4 (methyl-CpG binding domain 4, DNA glycosylase; minus strand). Cytogenetic location: 3q21.3.
Variant type: single nucleotide variant.
Coding change: c.1136G>A on transcript NM_001276270.2 (MANE Select); coding-DNA position 1136, G replaced by A.
Protein change: p.Gly379Asp; replaces glycine 379 with aspartic acid.
Molecular consequence: missense variant. On other transcripts: intron variant (1).
Genome position (GRCh38, 1-based): chr3:129,436,508, C>T on the plus strand (G>A on the coding strand, the complement: MBD4 is on the minus strand). VCF-style: chr3-129436508-C-T. GRCh37 (hg19) VCF-style: chr3-129155351-C-T.
Other names: c.1136G>A, p.Gly379Asp (NM_001276272.2, NM_003925.3, NM_001276271.2); c.247+1300G>A (NM_001276273.2); short protein forms G379D.
Identifiers: ClinVar variation 3692176 (VCV003692176.2).